The following is an entry in ClinVar:

NM_002734.5(PRKAR1A):c.178-8T>G

Gene: PRKAR1A (protein kinase cAMP-dependent type I regulatory subunit alpha; plus strand). Cytogenetic location: 17q24.2.
Variant type: single nucleotide variant.
Coding change: c.178-8T>G on transcript NM_002734.5 (MANE Select); 8 bases into the intron before coding-DNA position 178, T replaced by G.
Molecular consequence: intron variant.
Genome position (GRCh38, 1-based): chr17:68,522,748, T>G. VCF-style: chr17-68522748-T-G. GRCh37 (hg19) VCF-style: chr17-66518889-T-G.
Other names: p.?; c.178-8T>G (NM_001278433.2, NM_001369389.1, NM_212471.3 and 4 more transcripts).
Identifiers: ClinVar variation 536901 (VCV000536901.14), dbSNP rs771192586, ClinGen allele CA8729188.

ClinVar aggregate classification (germline): Likely benign. Review status: criteria provided, multiple submitters, no conflicts (2 of 4 stars). 4 submissions from 4 submitters: Likely benign (4). Last evaluated 2026-01-21.

Conditions:
Carney complex, type 1 (CNC1). Also called: CARNEY COMPLEX, TYPE I; CARNEY MYXOMA-ENDOCRINE COMPLEX. Identifiers: Orphanet 1359, MedGen C2607929, MONDO:0008057, OMIM 160980.

Allele frequency attached by ClinVar (database versions not stated): gnomAD exomes 0.00002 and 0.00006; TOPMed 0.00002; gnomAD 0.00004; ExAC 0.00009.
gnomAD v4.1: 42 of 1,613,972 alleles (0.0026%); highest among the groups gnomAD compares: Non-Finnish European, 0.0029%; no homozygotes.

Submissions (4):

Labcorp Genetics (formerly Invitae), Labcorp
Classification: Likely benign for Carney complex, type 1. Last evaluated: 2026-01-21. Review status: criteria provided, single submitter. Criteria: Invitae Variant Classification Sherloc (09022015). Collection method: clinical testing. Allele origin: germline.

Mayo Clinic Laboratories, Mayo Clinic
Classification: Likely benign. Last evaluated: 2025-05-16. Review status: criteria provided, single submitter. Criteria: ACMG Guidelines, 2015. Collection method: clinical testing. Allele origin: germline. Observed: 1 variant allele.
Comment: BP4, BP7

Blueprint Genetics
Classification: Likely benign. Last evaluated: 2024-10-07. Review status: criteria provided, single submitter. Criteria: ACMG Guidelines, 2015. Collection method: clinical testing. Allele origin: germline.

Women's Health and Genetics/Laboratory Corporation of America, LabCorp
Classification: Likely benign. Last evaluated: 2017-11-20. Review status: criteria provided, single submitter. Criteria: LabCorp Variant Classification Summary - May 2015. Collection method: clinical testing. Allele origin: germline.
Comment: Variant summary: The PRKAR1A c.178-8T>G variant involves the alteration of a non-conserved intronic nucleotide. One in silico tool predicts a damaging outcome for this variant. 3/5 splice prediction tools predict significant weakening effect on a canonical splicing donor site. However, these predictions have yet to be confirmed by functional studies. This variant was found in 16/276908 control chromosomes at a frequency of 0.0000578, which is approximately 31 times the estimated maximal expected allele frequency of a pathogenic PRKAR1A variant (0.0000019), suggesting this variant is likely a benign polymorphism. The variant of interest has not, to our knowledge, been reported in affected individuals via publications and/or reputable databases/clinical diagnostic laboratories; nor evaluated for functional impact by in vivo/vitro studies. Taken together, this variant is classified as likely benign unitl additional information becomes available.